The following is an entry in ClinVar:

NM_000535.7(PMS2):c.630del (p.Lys210fs)

Gene: PMS2 (PMS1 homolog 2, mismatch repair system component; minus strand). Cytogenetic location: 7p22.1.
Variant type: Deletion.
Coding change: c.630del on transcript NM_000535.7 (MANE Select); coding-DNA position 630, one base deleted (A; older notation c.630delA).
Protein change: p.Lys210fs; shifts the reading frame from lysine 210.
Molecular consequence: frameshift variant. On other transcripts: 5 prime UTR variant (2), non-coding transcript variant (1), intron variant (1).
Genome position (GRCh38, 1-based): chr7:5,999,183, T deleted on the plus strand (A on the coding strand, the reverse complement: PMS2 is on the minus strand); the first of 4 consecutive T bases (chr7:5,999,183-5,999,186); deleting any one gives the same sequence. VCF-style (leftmost placement, unchanged base first): chr7-5999182-GT-G. GRCh37 (hg19) VCF-style: chr7-6038813-GT-G.
Other names: c.225del, p.Lys75fs (NM_001322003.2, NM_001322004.2, NM_001322005.2 and 2 more transcripts); c.630del, p.Lys210fs (NM_001322006.2, NM_001322014.2); c.312del, p.Lys104fs (NM_001322007.2, NM_001322008.2); c.-304del (NM_001322011.2, NM_001322012.2); c.321del, p.Lys107fs (NM_001322015.2); c.133-1760del (NM_001322013.2); short protein forms K107fs, K210fs, K75fs, K104fs.
Identifiers: ClinVar variation 856141 (VCV000856141.7), dbSNP rs1784806713, ClinGen allele CA916080370.

ClinVar aggregate classification (germline): Pathogenic (1 of 4 stars; one submission).

Conditions:
Hereditary nonpolyposis colorectal neoplasms. Identifiers: MedGen C0009405, MeSH D003123.

Submission:

Labcorp Genetics (formerly Invitae), Labcorp
Classification: Pathogenic for Hereditary nonpolyposis colorectal neoplasms. Last evaluated: 2020-07-02. Review status: criteria provided, single submitter. Criteria: Invitae Variant Classification Sherloc (09022015). Collection method: clinical testing. Allele origin: germline.
Comment: This variant has not been reported in the literature in individuals with PMS2-related conditions. This variant is not present in population databases (ExAC no frequency). This sequence change creates a premature translational stop signal (p.Lys210Asnfs*14) in the PMS2 gene. It is expected to result in an absent or disrupted protein product. Loss-of-function variants in PMS2 are known to be pathogenic (PMID: 21376568, 24362816). For these reasons, this variant has been classified as Pathogenic.

Literature cited by the submitters: PubMed 21376568; PubMed 24362816.